The following is an entry in ClinVar:

NM_000836.4(GRIN2D):c.3244A>G (p.Thr1082Ala)

Gene: GRIN2D (glutamate ionotropic receptor NMDA type subunit 2D; plus strand). Cytogenetic location: 19q13.33.
Variant type: single nucleotide variant.
Coding change: c.3244A>G on transcript NM_000836.4 (MANE Select); coding-DNA position 3244, A replaced by G.
Protein change: p.Thr1082Ala; replaces threonine 1082 with alanine.
Molecular consequence: missense variant.
Genome position (GRCh38, 1-based): chr19:48,443,170, A>G. VCF-style: chr19-48443170-A-G. GRCh37 (hg19) VCF-style: chr19-48946427-A-G.
Other names: c.3244A>G (NM_000836.2); short protein forms T1082A.
Identifiers: ClinVar variation 1176712 (VCV001176712.43), dbSNP rs1459290952, ClinGen allele CA406675193.

ClinVar aggregate classification (germline): Conflicting classifications of pathogenicity. Review status: criteria provided, conflicting classifications (1 of 4 stars). 5 submissions from 5 submitters: Uncertain significance (1); Likely benign (3). 1 of the submissions does not count toward it. Last evaluated 2026-01-03.

Conditions:
GRIN2D-related disorder. Also called: GRIN2D-related condition.
Inborn genetic diseases. Identifiers: MedGen C0950123, MeSH D030342.

Allele frequency attached by ClinVar (database versions not stated): gnomAD exomes 0.00003; gnomAD 0.00011 and 0.00012.
gnomAD v4.1: 40 of 1,020,874 alleles (0.0039%); highest among the groups gnomAD compares: Middle Eastern, 0.18%; 1 homozygote.

Submissions (5):

Labcorp Genetics (formerly Invitae), Labcorp
Classification: Uncertain significance. Last evaluated: 2026-01-03. Review status: criteria provided, single submitter. Criteria: Invitae Variant Classification Sherloc (09022015). Collection method: clinical testing. Allele origin: germline.
Comment: This sequence change replaces threonine, which is neutral and polar, with alanine, which is neutral and non-polar, at codon 1082 of the GRIN2D protein (p.Thr1082Ala). The frequency data for this variant in the population databases is considered unreliable, as metrics indicate insufficient coverage at this position in the gnomAD database. This missense change has been observed in individual(s) with clinical features of GRIN2D-related conditions (internal data). ClinVar contains an entry for this variant (Variation ID: 1176712). Invitae Evidence Modeling of protein sequence and biophysical properties (such as structural, functional, and spatial information, amino acid conservation, physicochemical variation, residue mobility, and thermodynamic stability) indicates that this missense variant is not expected to disrupt GRIN2D protein function with a negative predictive value of 95%. In summary, the available evidence is currently insufficient to determine the role of this variant in disease. Therefore, it has been classified as a Variant of Uncertain Significance.

Blueprint Genetics
Classification: Likely benign. Last evaluated: 2024-10-07. Review status: criteria provided, single submitter. Criteria: ACMG Guidelines, 2015. Collection method: clinical testing. Allele origin: germline.

Ambry Genetics
Classification: Likely benign for Inborn genetic diseases. Last evaluated: 2022-07-08. Review status: criteria provided, single submitter. Criteria: Ambry Variant Classification Scheme 2023. Collection method: clinical testing. Allele origin: germline.

CeGaT Center for Human Genetics Tuebingen
Classification: Likely benign. Last evaluated: 2021-06-01. Review status: criteria provided, single submitter. Criteria: CeGaT Center For Human Genetics Tuebingen Variant Classification Criteria Version 2. Collection method: clinical testing. Allele origin: germline. Affected: yes. Observed: 1 variant allele.

PreventionGenetics, part of Exact Sciences
Classification: Uncertain significance for GRIN2D-related condition. Last evaluated: 2024-05-06. Review status: no assertion criteria provided. Collection method: clinical testing. Allele origin: germline. Not counted in ClinVar's aggregate classification.
Comment: The GRIN2D c.3244A>G variant is predicted to result in the amino acid substitution p.Thr1082Ala. To our knowledge, this variant has not been reported in the literature or in a large population database, indicating this variant is rare. At this time, the clinical significance of this variant is uncertain due to the absence of conclusive functional and genetic evidence.